The following is an entry in ClinVar:

NM_000937.5(POLR2A):c.5176A>G (p.Ser1726Gly)

Gene: POLR2A (RNA polymerase II subunit A; plus strand). Cytogenetic location: 17p13.1.
Variant type: single nucleotide variant.
Coding change: c.5176A>G on transcript NM_000937.5 (MANE Select); coding-DNA position 5176, A replaced by G.
Protein change: p.Ser1726Gly; replaces serine 1726 with glycine.
Molecular consequence: missense variant.
Genome position (GRCh38, 1-based): chr17:7,513,440, A>G. VCF-style: chr17-7513440-A-G. GRCh37 (hg19) VCF-style: chr17-7416759-A-G.
Other names: short protein forms S1726G.
Identifiers: ClinVar variation 3349674 (VCV003349674.1).
Genomic context (GRCh38, chr17:7,513,440, plus strand): 5'-TACTCGCCAACTTCACCCAGCTATTCTCCCACTTCTCCCAGCTACTCACCTACCTCTCCA[A>G]GCTATTCACCCACCTCCCCCAGCTACTCACCCACTTCCCCAAGTTACTCACCCACCAGCC-3'
Protein context (NP_000928.1, residues 1716-1736): TSPSYSPTSP[Ser1726Gly]YSPTSPSYSP

ClinVar aggregate classification (germline): Uncertain significance (0 of 4 stars; one submission).

Conditions:
POLR2A-related disorder. Also called: POLR2A-related condition.

Submission:

PreventionGenetics, part of Exact Sciences
Classification: Uncertain significance for POLR2A-related condition. Last evaluated: 2024-03-13. Review status: no assertion criteria provided. Collection method: clinical testing. Allele origin: germline.
Comment: The POLR2A c.5176A>G variant is predicted to result in the amino acid substitution p.Ser1726Gly. To our knowledge, this variant has not been reported in the literature. This variant is reported in 0.00089% of alleles in individuals of European (Non-Finnish) descent in gnomAD. At this time, the clinical significance of this variant is uncertain due to the absence of conclusive functional and genetic evidence.